The following is an entry in ClinVar:

ClinVar aggregate classification (germline): Uncertain significance (1 of 4 stars; one submission).

Conditions:
Inborn genetic diseases. Identifiers: MedGen C0950123, MeSH D030342.

Submission:

Ambry Genetics
Classification: Uncertain significance for Inborn genetic diseases. Last evaluated: 2021-08-15. Review status: criteria provided, single submitter. Criteria: Ambry Variant Classification Scheme 2023. Collection method: clinical testing. Allele origin: germline.
Comment: The p.S825I variant (also known as c.2474G>T), located in coding exon 11 of the ATR gene, results from a G to T substitution at nucleotide position 2474. The serine at codon 825 is replaced by isoleucine, an amino acid with dissimilar properties. This amino acid position is conserved. In addition, this alteration is predicted to be deleterious by in silico analysis. Since supporting evidence is limited at this time, the clinical significance of this alteration remains unclear.

NM_001184.4(ATR):c.2474G>T (p.Ser825Ile)

Gene: ATR (ATR checkpoint kinase; minus strand). Cytogenetic location: 3q23.
Variant type: single nucleotide variant.
Coding change: c.2474G>T on transcript NM_001184.4 (MANE Select); coding-DNA position 2474, G replaced by T.
Protein change: p.Ser825Ile; replaces serine 825 with isoleucine.
Molecular consequence: missense variant.
Genome position (GRCh38, 1-based): chr3:142,553,883, C>A on the plus strand (G>T on the coding strand, the complement: ATR is on the minus strand). VCF-style: chr3-142553883-C-A. GRCh37 (hg19) VCF-style: chr3-142272725-C-A.
Other names: c.2282G>T, p.Ser761Ile (NM_001354579.2); short protein forms S761I, S825I.
Identifiers: ClinVar variation 1791821 (VCV001791821.2), dbSNP rs2108465350, ClinGen allele CA354816532.